The following is an entry in ClinVar:

ClinVar aggregate classification (germline): Uncertain significance. Review status: criteria provided, multiple submitters, no conflicts (2 of 4 stars). 2 submissions from 2 submitters: Uncertain significance (2). Last evaluated 2024-04-04.

Conditions:
Inborn genetic diseases. Identifiers: MedGen C0950123, MeSH D030342.
Muscular dystrophy-dystroglycanopathy (congenital with brain and eye anomalies), type A2. Also called: MUSCULAR DYSTROPHY-DYSTROGLYCANOPATHY (CONGENITAL WITH BRAIN AND EYE ANOMALIES), TYPE A, 2; WALKER-WARBURG SYNDROME OR MUSCLE-EYE-BRAIN DISEASE, POMT2-RELATED. Identifiers: Orphanet 588, Orphanet 899, MedGen C3150411, MONDO:0013154, OMIM 613150.
Muscular dystrophy-dystroglycanopathy (congenital with impaired intellectual development), type B, 2. Also called: Muscular dystrophy-dystroglycanopathy (congenital with intellectual disability), type B2; MUSCULAR DYSTROPHY, CONGENITAL, POMT2-RELATED. Identifiers: MedGen C3150416, MONDO:0013160, OMIM 613156.
Autosomal recessive limb-girdle muscular dystrophy type 2N. Also called: Muscular dystrophy-dystroglycanopathy (limb-girdle), type C, 2; MUSCULAR DYSTROPHY-DYSTROGLYCANOPATHY, LIMB-GIRDLE, POMT2-RELATED. Identifiers: Orphanet 206559, MedGen C3150418, MONDO:0013162, OMIM 613158.

Allele frequency attached by ClinVar (database versions not stated): gnomAD exomes below 0.00001; TOPMed 0.00002; gnomAD 0.00001.
gnomAD v4.1: 4 of 1,608,138 alleles (0.00025%); highest among the groups gnomAD compares: Admixed American, 0.0017%; no homozygotes.

Submissions (2):

Ambry Genetics
Classification: Uncertain significance for Inborn genetic diseases. Last evaluated: 2024-04-04. Review status: criteria provided, single submitter. Criteria: Ambry Variant Classification Scheme 2023. Collection method: clinical testing. Allele origin: germline.

Labcorp Genetics (formerly Invitae), Labcorp
Classification: Uncertain significance for Muscular dystrophy-dystroglycanopathy (congenital with impaired intellectual development), type B, 2; Muscular dystrophy-dystroglycanopathy (congenital with brain and eye anomalies), type A2; Autosomal recessive limb-girdle muscular dystrophy type 2N. Last evaluated: 2022-10-03. Review status: criteria provided, single submitter. Criteria: Invitae Variant Classification Sherloc (09022015). Collection method: clinical testing. Allele origin: germline.
Comment: This sequence change replaces leucine, which is neutral and non-polar, with valine, which is neutral and non-polar, at codon 348 of the POMT2 protein (p.Leu348Val). This variant is present in population databases (no rsID available, gnomAD 0.007%). This variant has not been reported in the literature in individuals affected with POMT2-related conditions. ClinVar contains an entry for this variant (Variation ID: 471386). Advanced modeling of protein sequence and biophysical properties (such as structural, functional, and spatial information, amino acid conservation, physicochemical variation, residue mobility, and thermodynamic stability) performed at Invitae indicates that this missense variant is not expected to disrupt POMT2 protein function. In summary, the available evidence is currently insufficient to determine the role of this variant in disease. Therefore, it has been classified as a Variant of Uncertain Significance.

NM_013382.7(POMT2):c.1042C>G (p.Leu348Val)

Gene: POMT2 (protein O-mannosyltransferase 2; minus strand). Cytogenetic location: 14q24.3.
Variant type: single nucleotide variant.
Coding change: c.1042C>G on transcript NM_013382.7 (MANE Select); coding-DNA position 1042, C replaced by G.
Protein change: p.Leu348Val; replaces leucine 348 with valine.
Molecular consequence: missense variant.
Genome position (GRCh38, 1-based): chr14:77,296,238, G>C on the plus strand (C>G on the coding strand, the complement: POMT2 is on the minus strand). VCF-style: chr14-77296238-G-C. GRCh37 (hg19) VCF-style: chr14-77762581-G-C.
Other names: short protein forms L348V.
Identifiers: ClinVar variation 471386 (VCV000471386.5), dbSNP rs1158227625, ClinGen allele CA390519573.